The following is an entry in ClinVar:

ClinVar aggregate classification (germline): Uncertain significance (1 of 4 stars; one submission).

Conditions:
Gorlin syndrome. Also called: Basal cell nevus syndrome; Nevoid Basal Cell Carcinoma Syndrome. Identifiers: Orphanet 377, MedGen C0004779, MONDO:0007187.

Allele frequency attached by ClinVar (database versions not stated): gnomAD exomes below 0.00001; TOPMed below 0.00001; gnomAD 0.00001.
gnomAD v4.1: 7 of 1,613,984 alleles (0.00043%); highest among the groups gnomAD compares: Non-Finnish European, 0.00059%; no homozygotes.

Submission:

Labcorp Genetics (formerly Invitae), Labcorp
Classification: Uncertain significance for Gorlin syndrome. Last evaluated: 2020-04-24. Review status: criteria provided, single submitter. Criteria: Invitae Variant Classification Sherloc (09022015). Collection method: clinical testing. Allele origin: germline.
Comment: This sequence change replaces serine with glycine at codon 280 of the PTCH2 protein (p.Ser280Gly). The serine residue is moderately conserved and there is a small physicochemical difference between serine and glycine. This variant is not present in population databases (ExAC no frequency). This variant has not been reported in the literature in individuals with PTCH2-related conditions. Algorithms developed to predict the effect of missense changes on protein structure and function are either unavailable or do not agree on the potential impact of this missense change (SIFT: "Deleterious"; PolyPhen-2: "Benign"; Align-GVGD: "Class C0"). In summary, the available evidence is currently insufficient to determine the role of this variant in disease. Therefore, it has been classified as a Variant of Uncertain Significance.

NM_003738.5(PTCH2):c.838A>G (p.Ser280Gly)

Gene: PTCH2 (patched 2; minus strand). Cytogenetic location: 1p34.1.
Variant type: single nucleotide variant.
Coding change: c.838A>G on transcript NM_003738.5 (MANE Select); coding-DNA position 838, A replaced by G.
Protein change: p.Ser280Gly; replaces serine 280 with glycine.
Molecular consequence: missense variant.
Genome position (GRCh38, 1-based): chr1:44,830,006, T>C on the plus strand (A>G on the coding strand, the complement: PTCH2 is on the minus strand). VCF-style: chr1-44830006-T-C. GRCh37 (hg19) VCF-style: chr1-45295678-T-C.
Other names: c.838A>G, p.Ser280Gly (NM_001166292.2); short protein forms S280G.
Identifiers: ClinVar variation 953665 (VCV000953665.10), dbSNP rs1429367527, ClinGen allele CA340105166.